The following is an entry in ClinVar:

ClinVar aggregate classification (germline): Uncertain significance (1 of 4 stars; one submission).

gnomAD v4.1: 4 of 1,612,032 alleles (0.00025%); highest among the groups gnomAD compares: East Asian, 0.0022%; no homozygotes.

Submission:

Labcorp Genetics (formerly Invitae), Labcorp
Classification: Uncertain significance. Last evaluated: 2025-08-25. Review status: criteria provided, single submitter. Criteria: Invitae Variant Classification Sherloc (09022015). Collection method: clinical testing. Allele origin: germline.
Comment: This sequence change replaces proline, which is neutral and non-polar, with threonine, which is neutral and polar, at codon 12 of the RUNX2 protein (p.Pro12Thr). This variant is not present in population databases (gnomAD no frequency). This variant has not been reported in the literature in individuals affected with RUNX2-related conditions. ClinVar contains an entry for this variant (Variation ID: 3605735). An algorithm developed to predict the effect of missense changes on protein structure and function (PolyPhen-2) suggests that this variant is likely to be disruptive. In summary, the available evidence is currently insufficient to determine the role of this variant in disease. Therefore, it has been classified as a Variant of Uncertain Significance.

NM_001024630.4(RUNX2):c.34C>A (p.Pro12Thr)

Genes: RUNX2 (RUNX family transcription factor 2; plus strand), SUPT3H (SPT3 homolog, SAGA and STAGA complex component; minus strand). Cytogenetic location: 6p21.1.
Variant type: single nucleotide variant.
Coding change: c.34C>A on transcript NM_001024630.4 (MANE Select); coding-DNA position 34, C replaced by A.
Protein change: p.Pro12Thr; replaces proline 12 with threonine.
Molecular consequence: missense variant. On other transcripts: intron variant (8), non-coding transcript variant (2).
Genome position (GRCh38, 1-based): chr6:45,328,760, C>A. VCF-style: chr6-45328760-C-A. GRCh37 (hg19) VCF-style: chr6-45296497-C-A.
Other names: c.101+36441G>T (NM_001350325.2, NM_003599.4, NM_001350324.2 and 1 more transcripts); c.-265+36441G>T (NM_001261823.2); c.-51-5793G>T (NM_181356.3, NM_001350326.2); c.34C>A, p.Pro12Thr (NM_001015051.4); c.-73+36441G>T (NM_001350327.2); short protein forms P12T.
Identifiers: ClinVar variation 3605735 (VCV003605735.2).